The following is an entry in ClinVar:

NM_032634.4(PIGO):c.2166G>C (p.Ala722=)

Gene: PIGO (phosphatidylinositol glycan anchor biosynthesis class O; minus strand). Cytogenetic location: 9p13.3.
Variant type: single nucleotide variant.
Coding change: c.2166G>C on transcript NM_032634.4 (MANE Select); coding-DNA position 2166, G replaced by C.
Protein change: p.Ala722=; no amino-acid change (alanine 722 retained).
Molecular consequence: synonymous variant. On other transcripts: intron variant (2).
Genome position (GRCh38, 1-based): chr9:35,091,721, C>G on the plus strand (G>C on the coding strand, the complement: PIGO is on the minus strand). VCF-style: chr9-35091721-C-G. GRCh37 (hg19) VCF-style: chr9-35091718-C-G.
Other names: c.1345-430G>C (NM_152850.4, NM_001201484.2).
Identifiers: ClinVar variation 366756 (VCV000366756.28), dbSNP rs147101825, ClinGen allele CA5040488.

ClinVar aggregate classification (germline): Conflicting classifications of pathogenicity. Review status: criteria provided, conflicting classifications (1 of 4 stars). 8 submissions from 8 submitters: Uncertain significance (1); Benign (1); Likely benign (3). 3 of the submissions do not count toward it. Last evaluated 2026-01-26.

Conditions:
Hyperphosphatasia with impaired intellectual development syndrome 2. Also called: Hyperphosphatasia with intellectual disability syndrome 2; GLYCOSYLPHOSPHATIDYLINOSITOL BIOSYNTHESIS DEFECT 6. Identifiers: Orphanet 247262, MedGen C3553637, MONDO:0013882, OMIM 614749.
PIGO-related disorder. Also called: PIGO-related condition.

Allele frequency attached by ClinVar (database versions not stated): ESP Exome Variant Server 0.00087; 1000 Genomes Project 0.00100; gnomAD 0.00136 and 0.00143; TOPMed 0.00143; 1000 Genomes Project 30x 0.00094.

Submissions (8):

Labcorp Genetics (formerly Invitae), Labcorp
Classification: Benign for Hyperphosphatasia with impaired intellectual development syndrome 2. Last evaluated: 2026-01-26. Review status: criteria provided, single submitter. Criteria: Invitae Variant Classification Sherloc (09022015). Collection method: clinical testing. Allele origin: germline.

CeGaT Center for Human Genetics Tuebingen
Classification: Likely benign. Last evaluated: 2026-01-01. Review status: criteria provided, single submitter. Criteria: CeGaT Center For Human Genetics Tuebingen Variant Classification Criteria Version 2. Collection method: clinical testing. Allele origin: germline. Affected: yes. Observed: 1 variant allele.
Comment: PIGO: BP4, BP7

Blueprint Genetics
Classification: Likely benign. Last evaluated: 2024-07-22. Review status: criteria provided, single submitter. Criteria: ACMG Guidelines, 2015. Collection method: clinical testing. Allele origin: germline.

GeneDx
Classification: Likely benign. Last evaluated: 2021-10-02. Review status: criteria provided, single submitter. Criteria: GeneDx Variant Classification Process June 2021. Collection method: clinical testing. Allele origin: germline. Affected: yes.

Illumina Laboratory Services, Illumina
Classification: Uncertain significance for Hyperphosphatasia with impaired intellectual development syndrome 2. Last evaluated: 2018-01-12. Review status: criteria provided, single submitter. Criteria: ICSL Variant Classification Criteria 13 December 2019. Collection method: clinical testing. Allele origin: germline.

PreventionGenetics, part of Exact Sciences
Classification: Likely benign for PIGO-related condition. Last evaluated: 2019-08-14. Review status: no assertion criteria provided. Collection method: clinical testing. Allele origin: germline. Not counted in ClinVar's aggregate classification.
Comment: This variant is classified as likely benign based on ACMG/AMP sequence variant interpretation guidelines (Richards et al. 2015 PMID: 25741868, with internal and published modifications).

Clinical Genetics DNA and cytogenetics Diagnostics Lab, Erasmus MC, Erasmus Medical Center
Classification: Likely benign. Review status: no assertion criteria provided. Collection method: clinical testing. Allele origin: germline. Affected: yes. Study: VKGL Data-share Consensus. Not counted in ClinVar's aggregate classification.

Genome Diagnostics Laboratory, University Medical Center Utrecht
Classification: Likely benign. Review status: no assertion criteria provided. Collection method: clinical testing. Allele origin: germline. Affected: yes. Study: VKGL Data-share Consensus. Not counted in ClinVar's aggregate classification.